The following is an entry in ClinVar:

NM_006393.3(NEBL):c.2660G>C (p.Ser887Thr)

Gene: NEBL (nebulette; minus strand). Cytogenetic location: 10p12.31.
Variant type: single nucleotide variant.
Coding change: c.2660G>C on transcript NM_006393.3 (MANE Select); coding-DNA position 2660, G replaced by C.
Protein change: p.Ser887Thr; replaces serine 887 with threonine.
Molecular consequence: missense variant. On other transcripts: intron variant (9).
Genome position (GRCh38, 1-based): chr10:20,808,611, C>G on the plus strand (G>C on the coding strand, the complement: NEBL is on the minus strand). VCF-style: chr10-20808611-C-G. GRCh37 (hg19) VCF-style: chr10-21097540-C-G.
Other names: c.421+4158G>C (NM_001377326.1, NM_001377327.1, NM_001377328.1); c.529+4158G>C (NM_213569.2, NM_001173484.2); c.622+1195G>C (NM_001377322.1); c.472+4158G>C (NM_001377324.1); c.463+4158G>C (NM_001377325.1); c.481+4158G>C (NM_001377323.1); short protein forms S887T.
Identifiers: ClinVar variation 1794444 (VCV001794444.2), dbSNP rs2491561507, ClinGen allele CA376092845.

ClinVar aggregate classification (germline): Uncertain significance (1 of 4 stars; one submission).

Submission:

Ambry Genetics
Classification: Uncertain significance. Last evaluated: 2022-09-26. Review status: criteria provided, single submitter. Criteria: Ambry Variant Classification Scheme 2023. Collection method: clinical testing. Allele origin: germline.
Comment: The p.S887T variant (also known as c.2660G>C), located in coding exon 26 of the NEBL gene, results from a G to C substitution at nucleotide position 2660. The serine at codon 887 is replaced by threonine, an amino acid with similar properties. This amino acid position is conserved. In addition, this alteration is predicted to be tolerated by in silico analysis. Since supporting evidence is limited at this time, the clinical significance of this alteration remains unclear.